The following is an entry in ClinVar:

NM_006060.6(IKZF1):c.456C>T (p.Ala152=)

Gene: IKZF1 (IKAROS family zinc finger 1; plus strand). Cytogenetic location: 7p12.2.
Variant type: single nucleotide variant.
Coding change: c.456C>T on transcript NM_006060.6 (MANE Select); coding-DNA position 456, C replaced by T.
Protein change: p.Ala152=; no amino-acid change (alanine 152 retained).
Molecular consequence: synonymous variant. On other transcripts: intron variant (6).
Genome position (GRCh38, 1-based): chr7:50,382,574, C>T. VCF-style: chr7-50382574-C-T. GRCh37 (hg19) VCF-style: chr7-50450272-C-T.
Other names: c.456C>T, p.Ala152= (NM_001220765.3, NM_001220768.2, NM_001291837.2); c.195C>T, p.Ala65= (NM_001220767.2, NM_001220770.2, NM_001291838.2 and 1 more transcripts); c.516C>T, p.Ala172= (NM_001410879.1); c.421+5781C>T (NM_001220771.2); c.161-4771C>T (NM_001291841.1, NM_001291842.1); c.161-9155C>T (NM_001291843.1, NM_001291844.1); c.161-17344C>T (NM_001291840.1).
Identifiers: ClinVar variation 2134915 (VCV002134915.4), dbSNP rs2153477474, ClinGen allele CA454931568.

ClinVar aggregate classification (germline): Uncertain significance (1 of 4 stars; one submission).

Submission:

Labcorp Genetics (formerly Invitae), Labcorp
Classification: Uncertain significance. Last evaluated: 2022-10-31. Review status: criteria provided, single submitter. Criteria: Invitae Variant Classification Sherloc (09022015). Collection method: clinical testing. Allele origin: germline.
Comment: This sequence change affects codon 152 of the IKZF1 mRNA. It is a 'silent' change, meaning that it does not change the encoded amino acid sequence of the IKZF1 protein. This variant is not present in population databases (gnomAD no frequency). This variant has not been reported in the literature in individuals affected with IKZF1-related conditions. Experimental studies and prediction algorithms are not available or were not evaluated, and the effect of this variant on mRNA splicing is currently unknown. In summary, the available evidence is currently insufficient to determine the role of this variant in disease. Therefore, it has been classified as a Variant of Uncertain Significance.